The following is an entry in ClinVar:

ClinVar aggregate classification (germline): Uncertain significance (1 of 4 stars; one submission).

Submission:

CeGaT Center for Human Genetics Tuebingen
Classification: Uncertain significance. Last evaluated: 2024-07-01. Review status: criteria provided, single submitter. Criteria: CeGaT Center For Human Genetics Tuebingen Variant Classification Criteria Version 2. Collection method: clinical testing. Allele origin: germline. Affected: yes. Observed: 1 variant allele.
Comment: DNM1L: PM2, PP2, PP3, BS2

NM_012062.5(DNM1L):c.1495C>G (p.Pro499Ala)

Gene: DNM1L (dynamin 1L; plus strand). Cytogenetic location: 12p11.21.
Variant type: single nucleotide variant.
Coding change: c.1495C>G on transcript NM_012062.5 (MANE Select); coding-DNA position 1495, C replaced by G.
Protein change: p.Pro499Ala; replaces proline 499 with alanine.
Molecular consequence: missense variant.
Genome position (GRCh38, 1-based): chr12:32,733,763, C>G. VCF-style: chr12-32733763-C-G. GRCh37 (hg19) VCF-style: chr12-32886697-C-G.
Other names: c.1495C>G, p.Pro499Ala (NM_001278463.2, NM_005690.5, NM_012063.4); c.1534C>G, p.Pro512Ala (NM_001278464.2, NM_001278465.2, NM_001330380.2); c.886C>G, p.Pro296Ala (NM_001278466.2); short protein forms P296A, P499A, P512A.
Identifiers: ClinVar variation 3251217 (VCV003251217.18), dbSNP rs2541091609.